The following is an entry in ClinVar:

ClinVar aggregate classification (germline): Pathogenic (1 of 4 stars; one submission).

Submission:

Labcorp Genetics (formerly Invitae), Labcorp
Classification: Pathogenic. Last evaluated: 2024-12-10. Review status: criteria provided, single submitter. Criteria: Invitae Variant Classification Sherloc (09022015). Collection method: clinical testing. Allele origin: germline.
Comment: This sequence change creates a premature translational stop signal (p.Lys579Argfs*9) in the ERCC6L2 gene. It is expected to result in an absent or disrupted protein product. Loss-of-function variants in ERCC6L2 are known to be pathogenic (PMID: 24507776, 27185855, 29146883, 29987015). This variant is not present in population databases (gnomAD no frequency). This variant has not been reported in the literature in individuals affected with ERCC6L2-related conditions. Algorithms developed to predict the effect of sequence changes on RNA splicing suggest that this variant may create or strengthen a splice site. For these reasons, this variant has been classified as Pathogenic.

Literature cited by the submitters: PubMed 24507776; PubMed 27185855; PubMed 29146883; PubMed 29987015.

NM_020207.7(ERCC6L2):c.1703_1704del (p.Lys568fs)

Gene: ERCC6L2 (ERCC excision repair 6 like 2; plus strand). Cytogenetic location: 9q22.32.
Variant type: Deletion.
Coding change: c.1703_1704del on transcript NM_020207.7 (MANE Select); coding-DNA positions 1703 to 1704, 2 bases deleted (AA; older notation c.1703_1704delAA).
Protein change: p.Lys568fs; shifts the reading frame from lysine 568.
Molecular consequence: frameshift variant. On other transcripts: non-coding transcript variant (1).
Genome position (GRCh38, 1-based): chr9:95,928,816-95,928,817, AA deleted; deleting any 2 consecutive bases within chr9:95,928,814-95,928,817 gives the same sequence; the c. name uses the placement nearest the transcript's 3' end. VCF-style (leftmost placement, unchanged base first): chr9-95928813-TAA-T. GRCh37 (hg19) VCF-style: chr9-98691095-TAA-T.
Other names: c.1703_1704del, p.Lys568fs (NM_001010895.4, NM_001375291.1, NM_001375292.1 and 2 more transcripts); short protein forms K568fs.
Identifiers: ClinVar variation 3727032 (VCV003727032.2).